The following is an entry in ClinVar:

NM_001035.3(RYR2):c.4750C>G (p.Pro1584Ala)

Gene: RYR2 (ryanodine receptor 2; plus strand). Cytogenetic location: 1q43.
Variant type: single nucleotide variant.
Coding change: c.4750C>G on transcript NM_001035.3 (MANE Select); coding-DNA position 4750, C replaced by G.
Protein change: p.Pro1584Ala; replaces proline 1584 with alanine.
Molecular consequence: missense variant.
Genome position (GRCh38, 1-based): chr1:237,610,828, C>G. VCF-style: chr1-237610828-C-G. GRCh37 (hg19) VCF-style: chr1-237774128-C-G.
Other names: short protein forms P1584A.
Identifiers: ClinVar variation 949884 (VCV000949884.11), dbSNP rs745824179, ClinGen allele CA345402389.

ClinVar aggregate classification (germline): Uncertain significance (1 of 4 stars; one submission).

Conditions:
Catecholaminergic polymorphic ventricular tachycardia 1. Also called: VENTRICULAR TACHYCARDIA, STRESS-INDUCED POLYMORPHIC 1; RYR2-Related Catecholaminergic Polymorphic Ventricular Tachycardia; VENTRICULAR TACHYCARDIA, CATECHOLAMINERGIC POLYMORPHIC, 1, WITH OR WITHOUT ATRIAL DYSFUNCTION AND/OR DILATED CARDIOMYOPATHY. Identifiers: Orphanet 3286, MedGen C1631597, MONDO:0011484, OMIM 604772.

Allele frequency attached by ClinVar (database versions not stated): TOPMed 0.00002.
gnomAD v4.1: 4 of 1,612,478 alleles (0.00025%); highest among the groups gnomAD compares: Non-Finnish European, 0.00034%; no homozygotes.

Submission:

Labcorp Genetics (formerly Invitae), Labcorp
Classification: Uncertain significance for Catecholaminergic polymorphic ventricular tachycardia 1. Last evaluated: 2022-11-29. Review status: criteria provided, single submitter. Criteria: Invitae Variant Classification Sherloc (09022015). Collection method: clinical testing. Allele origin: germline.
Comment: ClinVar contains an entry for this variant (Variation ID: 949884). This variant has not been reported in the literature in individuals affected with RYR2-related conditions. This variant is not present in population databases (gnomAD no frequency). This sequence change replaces proline, which is neutral and non-polar, with alanine, which is neutral and non-polar, at codon 1584 of the RYR2 protein (p.Pro1584Ala). Advanced modeling of protein sequence and biophysical properties (such as structural, functional, and spatial information, amino acid conservation, physicochemical variation, residue mobility, and thermodynamic stability) performed at Invitae indicates that this missense variant is expected to disrupt RYR2 protein function. In summary, the available evidence is currently insufficient to determine the role of this variant in disease. Therefore, it has been classified as a Variant of Uncertain Significance.